The following is an entry in ClinVar:

ClinVar aggregate classification (germline): Uncertain significance. Review status: criteria provided, multiple submitters, no conflicts (2 of 4 stars). 4 submissions from 4 submitters: Uncertain significance (3). 1 of the submissions does not count toward it. Last evaluated 2025-11-26.

Conditions:
Inborn genetic diseases. Identifiers: MedGen C0950123, MeSH D030342.
Polyglandular autoimmune syndrome, type 1 (APS1). Also called: Autoimmune polyendocrinopathy syndrome , type I, with or without reversible metaphyseal dysplasia; Autoimmune polyendocrine syndrome type 1; AUTOIMMUNE POLYENDOCRINE SYNDROME, TYPE I, WITH OR WITHOUT REVERSIBLE METAPHYSEAL DYSPLASIA; APS I; HYPOADRENOCORTICISM WITH HYPOPARATHYROIDISM AND SUPERFICIAL MONILIASIS; Autoimmune polyendocrinopathy syndrome, type I. Identifiers: Orphanet 3453, MedGen C0085859, MONDO:0009411, OMIM 240300.

Allele frequency attached by ClinVar (database versions not stated): gnomAD 0.00001; ExAC 0.00002; gnomAD exomes 0.00002; TOPMed 0.00003.
gnomAD v4.1: 13 of 1,602,312 alleles (0.00081%); highest among the groups gnomAD compares: Admixed American, 0.0017%; no homozygotes.

Submissions (4):

Ambry Genetics
Classification: Uncertain significance for Inborn genetic diseases. Last evaluated: 2025-11-26. Review status: criteria provided, single submitter. Criteria: Ambry Variant Classification Scheme 2023. Collection method: clinical testing. Allele origin: germline.

Labcorp Genetics (formerly Invitae), Labcorp
Classification: Uncertain significance for Polyglandular autoimmune syndrome, type 1. Last evaluated: 2024-07-21. Review status: criteria provided, single submitter. Criteria: Invitae Variant Classification Sherloc (09022015). Collection method: clinical testing. Allele origin: germline.
Comment: This sequence change replaces glycine, which is neutral and non-polar, with alanine, which is neutral and non-polar, at codon 408 of the AIRE protein (p.Gly408Ala). This variant is present in population databases (rs751963717, gnomAD 0.004%). This variant has not been reported in the literature in individuals affected with AIRE-related conditions. ClinVar contains an entry for this variant (Variation ID: 1055064). Advanced modeling of protein sequence and biophysical properties (such as structural, functional, and spatial information, amino acid conservation, physicochemical variation, residue mobility, and thermodynamic stability) performed at Invitae indicates that this missense variant is not expected to disrupt AIRE protein function with a negative predictive value of 95%. In summary, the available evidence is currently insufficient to determine the role of this variant in disease. Therefore, it has been classified as a Variant of Uncertain Significance.

Department of Pathology and Laboratory Medicine, Sinai Health System
Classification: Uncertain significance for Polyglandular autoimmune syndrome, type 1. Last evaluated: 2023-03-01. Review status: criteria provided, single submitter. Criteria: ACMG Guidelines, 2015. Collection method: research. Allele origin: germline.

Natera, Inc.
Classification: Uncertain significance for Polyglandular autoimmune syndrome type 1. Last evaluated: 2020-10-12. Review status: no assertion criteria provided. Collection method: clinical testing. Allele origin: germline. Not counted in ClinVar's aggregate classification.

NM_000383.4(AIRE):c.1223G>C (p.Gly408Ala)

Gene: AIRE (autoimmune regulator; plus strand). Cytogenetic location: 21q22.3.
Variant type: single nucleotide variant.
Coding change: c.1223G>C on transcript NM_000383.4 (MANE Select); coding-DNA position 1223, G replaced by C.
Protein change: p.Gly408Ala; replaces glycine 408 with alanine.
Molecular consequence: missense variant.
Genome position (GRCh38, 1-based): chr21:44,293,120, G>C. VCF-style: chr21-44293120-G-C. GRCh37 (hg19) VCF-style: chr21-45713003-G-C.
Other names: c.1223G>C (NM_000383.2); short protein forms G408A.
Identifiers: ClinVar variation 1055064 (VCV001055064.12), dbSNP rs751963717, ClinGen allele CA10051996.